The following is an entry in ClinVar:

NM_177438.3(DICER1):c.3371A>G (p.His1124Arg)

Gene: DICER1 (dicer 1, ribonuclease III; minus strand). Cytogenetic location: 14q32.13.
Variant type: single nucleotide variant.
Coding change: c.3371A>G on transcript NM_177438.3 (MANE Select); coding-DNA position 3371, A replaced by G.
Protein change: p.His1124Arg; replaces histidine 1124 with arginine.
Molecular consequence: missense variant.
Genome position (GRCh38, 1-based): chr14:95,104,025, T>C on the plus strand (A>G on the coding strand, the complement: DICER1 is on the minus strand). VCF-style: chr14-95104025-T-C. GRCh37 (hg19) VCF-style: chr14-95570362-T-C.
Other names: c.3371A>G, p.His1124Arg (NM_001195573.1, NM_001271282.3, NM_001291628.2 and 1 more transcripts); short protein forms H1124R.
Identifiers: ClinVar variation 654250 (VCV000654250.10), dbSNP rs534996867, ClinGen allele CA390875704.

ClinVar aggregate classification (germline): Uncertain significance (1 of 4 stars; one submission).

Conditions:
DICER1-related tumor predisposition. Also called: DICER1 syndrome; DICER1-related pleuropulmonary blastoma cancer predisposition syndrome. Identifiers: Orphanet 284343, MedGen C3839822, MONDO:0100216.

Submission:

Labcorp Genetics (formerly Invitae), Labcorp
Classification: Uncertain significance for DICER1-related tumor predisposition. Last evaluated: 2018-10-31. Review status: criteria provided, single submitter. Criteria: Invitae Variant Classification Sherloc (09022015). Collection method: clinical testing. Allele origin: germline.
Comment: This variant has not been reported in the literature in individuals with DICER1-related disease. In summary, the available evidence is currently insufficient to determine the role of this variant in disease. Therefore, it has been classified as a Variant of Uncertain Significance. Algorithms developed to predict the effect of missense changes on protein structure and function (SIFT, PolyPhen-2, Align-GVGD) all suggest that this variant is likely to be tolerated, but these predictions have not been confirmed by published functional studies and their clinical significance is uncertain. This variant is not present in population databases (ExAC no frequency). This sequence change replaces histidine with arginine at codon 1124 of the DICER1 protein (p.His1124Arg). The histidine residue is moderately conserved and there is a small physicochemical difference between histidine and arginine.